The following is an entry in ClinVar:

ClinVar aggregate classification (germline): Pathogenic (1 of 4 stars; one submission).

Conditions:
Inborn genetic diseases. Identifiers: MedGen C0950123, MeSH D030342.

Submission:

Ambry Genetics
Classification: Pathogenic for Inborn genetic diseases. Last evaluated: 2026-06-30. Review status: criteria provided, single submitter. Criteria: Ambry Variant Classification Scheme 2023. Collection method: clinical testing. Allele origin: germline.
Comment: The p.W69* pathogenic mutation (also known as c.206G>A), located in coding exon 3 of the ETV6 gene, results from a G to A substitution at nucleotide position 206. This changes the amino acid from a tryptophan to a stop codon within coding exon 3. This variant is considered to be rare based on population cohorts in the Genome Aggregation Database (gnomAD). This alteration is expected to result in loss of function by premature protein truncation or nonsense-mediated mRNA decay. As such, this alteration is interpreted as a disease-causing mutation.

NM_001987.5(ETV6):c.206G>A (p.Trp69Ter)

Genes: ETV6 (ETS variant transcription factor 6; plus strand), LOC126861451 (BRD4-independent group 4 enhancer GRCh37_chr12:11991350-11992549; plus strand). Cytogenetic location: 12p13.2.
Variant type: single nucleotide variant.
Coding change: c.206G>A on transcript NM_001987.5 (MANE Select); coding-DNA position 206, G replaced by A.
Protein change: p.Trp69Ter; replaces tryptophan 69 with a stop codon.
Molecular consequence: nonsense. On other transcripts: 5 prime UTR variant (1).
Genome position (GRCh38, 1-based): chr12:11,839,182, G>A. VCF-style: chr12-11839182-G-A. GRCh37 (hg19) VCF-style: chr12-11992116-G-A.
Other names: c.203G>A, p.Trp68Ter (NM_001413913.1); c.179G>A, p.Trp60Ter (NM_001413914.1); c.-59G>A (NM_001413915.1); c.206G>A, p.Trp69Ter (NM_001413916.1, NM_001413917.1, NM_001413918.1); short protein forms W69*, W60*, W68*.
Identifiers: ClinVar variation 5036154 (VCV005036154.1).